The following is an entry in ClinVar:

NM_001349253.2(SCN11A):c.4974T>A (p.Arg1658=)

Gene: SCN11A (sodium voltage-gated channel alpha subunit 11; minus strand). Cytogenetic location: 3p22.2.
Variant type: single nucleotide variant.
Coding change: c.4974T>A on transcript NM_001349253.2 (MANE Select); coding-DNA position 4974, T replaced by A.
Protein change: p.Arg1658=; no amino-acid change (arginine 1658 retained).
Molecular consequence: synonymous variant.
Genome position (GRCh38, 1-based): chr3:38,847,096, A>T on the plus strand (T>A on the coding strand, the complement: SCN11A is on the minus strand). VCF-style: chr3-38847096-A-T. GRCh37 (hg19) VCF-style: chr3-38888587-A-T.
Other names: c.4974T>A, p.Arg1658= (NM_014139.3).
Identifiers: ClinVar variation 3045939 (VCV003045939.6), dbSNP rs966554193, ClinGen allele CA433335635.

ClinVar aggregate classification (germline): Likely benign. Review status: criteria provided, single submitter (1 of 4 stars). 2 submissions from 2 submitters: Likely benign (1). 1 of the submissions does not count toward it. Last evaluated 2026-08-01.

Conditions:
SCN11A-related disorder. Also called: SCN11A-related condition.

Submissions (2):

CeGaT Center for Human Genetics Tuebingen
Classification: Likely benign. Last evaluated: 2026-08-01. Review status: criteria provided, single submitter. Criteria: CeGaT Center For Human Genetics Tuebingen Variant Classification Criteria Version 2. Collection method: clinical testing. Allele origin: germline. Affected: yes. Observed: 2 variant alleles.
Comment: SCN11A: PM2:Supporting, BP4, BP7

PreventionGenetics, part of Exact Sciences
Classification: Likely benign for SCN11A-related condition. Last evaluated: 2019-10-24. Review status: no assertion criteria provided. Collection method: clinical testing. Allele origin: germline. Not counted in ClinVar's aggregate classification.
Comment: This variant is classified as likely benign based on ACMG/AMP sequence variant interpretation guidelines (Richards et al. 2015 PMID: 25741868, with internal and published modifications).